The following is an entry in ClinVar:

ClinVar aggregate classification (germline): Likely pathogenic. Review status: criteria provided, single submitter (1 of 4 stars). 2 submissions from 2 submitters: Likely pathogenic (1). 1 of the submissions does not count toward it. Last evaluated 2025-08-01.

Conditions:
Zellweger spectrum disorders (ZS). Also called: Zellweger Spectrum Disorder; Zellweger Spectrum; Zellweger Spectrum Disorder (ZSD); Zellweger syndrome. Identifiers: Orphanet 912, MedGen C0043459, MONDO:0019609.
Peroxisome biogenesis disorder 4A (Zellweger) (PBD4A). Also called: Zellweger syndrome spectrum (PEX6-related). Identifiers: Orphanet 912, MedGen C3553936, MONDO:0013930, OMIM 614862. Disease mechanism: loss of function.
Peroxisome biogenesis disorder 4B (PBD4B). Also called: SPINOCEREBELLAR ATAXIA WITH BLINDNESS AND DEAFNESS 1. Identifiers: Orphanet 44, Orphanet 95433, MedGen C3553937, MONDO:0013931, OMIM 614863.

Submissions (2):

Natera, Inc.
Classification: Likely pathogenic for Zellweger syndrome. Last evaluated: 2025-08-01. Review status: criteria provided, single submitter. Criteria: Natera Variant Classification Schema (03/2026). Collection method: clinical testing. Allele origin: germline.
Comment: The c.462delG variant in PEX6 is a frameshift variant predicted to shift the reading frame beginning at codon 155 and leads to a stop codon 3 codons downstream. This variant is expected to result in nonsense mediated decay, truncation, or a dysfunctional protein product. This variant is rare in the general population with a frequency below the threshold expected for the associated phenotype(s). Given the available evidence, this variant is classified as Likely Pathogenic.

Counsyl
Classification: Likely pathogenic for Peroxisome biogenesis disorder 4A (Zellweger); Peroxisome biogenesis disorder 4B. Last evaluated: 2017-05-01. Review status: no assertion criteria provided. Collection method: clinical testing. Allele origin: unknown. Not counted in ClinVar's aggregate classification.

NM_000287.4(PEX6):c.462del (p.Leu155fs)

Gene: PEX6 (peroxisomal biogenesis factor 6; minus strand). Cytogenetic location: 6p21.1.
Variant type: Deletion.
Coding change: c.462del on transcript NM_000287.4 (MANE Select); coding-DNA position 462, one base deleted (G; older notation c.462delG).
Protein change: p.Leu155fs; shifts the reading frame from leucine 155.
Molecular consequence: frameshift variant. On other transcripts: non-coding transcript variant (1).
Genome position (GRCh38, 1-based): chr6:42,978,689, C deleted on the plus strand (G on the coding strand, the reverse complement: PEX6 is on the minus strand); the first of 2 consecutive C bases (chr6:42,978,689-42,978,690); deleting either gives the same sequence. VCF-style (leftmost placement, unchanged base first): chr6-42978688-GC-G. GRCh37 (hg19) VCF-style: chr6-42946426-GC-G.
Other names: c.462del, p.Leu155fs (NM_001316313.2); short protein forms L155fs.
Identifiers: ClinVar variation 551682 (VCV000551682.3), dbSNP rs1554128476, ClinGen allele CA658821901.
Genomic context (GRCh38, chr6:42,978,688, plus strand): 5'-GACTGCTGTCCCCAGACTCTGGACACAGTCTGGCCCGCCCGCGGAGCTCAGTCACAGCCA[GC>G]CGAGTCCCTGGGCCCAGCAGCCCTTGCAACGCCGGCCGCGTCTCCAGCACCCGCGGTCCG-3'